The following is an entry in ClinVar:

ClinVar aggregate classification (germline): Likely benign (1 of 4 stars; one submission).

Allele frequency attached by ClinVar (database versions not stated): 1000 Genomes Project 30x 0.00375; 1000 Genomes Project 0.00379; TOPMed 0.00315.
gnomAD v4.1: 453 of 398,726 alleles (0.11%); highest among the groups gnomAD compares: African/African-American, 0.84%; 1 homozygote.

Submission:

CeGaT Center for Human Genetics Tuebingen
Classification: Likely benign. Last evaluated: 2024-06-01. Review status: criteria provided, single submitter. Criteria: CeGaT Center For Human Genetics Tuebingen Variant Classification Criteria Version 2. Collection method: clinical testing. Allele origin: germline. Affected: yes. Observed: 2 variant alleles.
Comment: KCNQ1OT1: BS1

NM_000218.3(KCNQ1):c.1514+31280C>T

Genes: KCNQ1 (potassium voltage-gated channel subfamily Q member 1; plus strand), KCNQ1OT1 (KCNQ1 opposite strand/antisense transcript 1; minus strand). Cytogenetic location: 11p15.5.
Variant type: single nucleotide variant.
Coding change: c.1514+31280C>T on transcript NM_000218.3 (MANE Select); 31280 bases into the intron after coding-DNA position 1514, C replaced by T.
Molecular consequence: intron variant. On other transcripts: non-coding transcript variant (1).
Genome position (GRCh38, 1-based): chr11:2,693,361, C>T. VCF-style: chr11-2693361-C-T. GRCh37 (hg19) VCF-style: chr11-2714591-C-T.
Other names: c.1244+31280C>T (NM_001406837.1); c.1418+31280C>T (NM_001406836.1); c.974+31280C>T (NM_001406838.1); c.1133+31280C>T (NM_181798.2).
Identifiers: ClinVar variation 2641492 (VCV002641492.24), dbSNP rs149414092, ClinGen allele CA216194145.